The following is an entry in ClinVar:

NM_032357.4(VMA22):c.214A>C (p.Ser72Arg)

Gene: VMA22 (vacuolar ATPase assembly factor VMA22; minus strand). Cytogenetic location: 2q21.1.
Variant type: single nucleotide variant.
Coding change: c.214A>C on transcript NM_032357.4 (MANE Select); coding-DNA position 214, A replaced by C.
Protein change: p.Ser72Arg; replaces serine 72 with arginine.
Molecular consequence: missense variant. On other transcripts: non-coding transcript variant (2).
Genome position (GRCh38, 1-based): chr2:130,341,842, T>G on the plus strand (A>C on the coding strand, the complement: VMA22 is on the minus strand). VCF-style: chr2-130341842-T-G. GRCh37 (hg19) VCF-style: chr2-131099415-T-G.
Other names: c.199A>C, p.Ser67Arg (NM_001321118.1); c.190A>C, p.Ser64Arg (NM_001321119.2); c.214A>C (NM_032357.2); short protein forms S67R, S72R, S64R.
Identifiers: ClinVar variation 1503251 (VCV001503251.7), dbSNP rs556226856, ClinGen allele CA55520398.

ClinVar aggregate classification (germline): Uncertain significance. Review status: criteria provided, multiple submitters, no conflicts (2 of 4 stars). 2 submissions from 2 submitters: Uncertain significance (2). Last evaluated 2025-08-15.

Conditions:
Inborn genetic diseases. Identifiers: MedGen C0950123, MeSH D030342.

Allele frequency attached by ClinVar (database versions not stated): gnomAD exomes below 0.00001 and 0.00001; 1000 Genomes Project 0.00020; gnomAD 0.00002.
gnomAD v4.1: 8 of 977,356 alleles (0.00082%); highest among the groups gnomAD compares: Admixed American, 0.017%; no homozygotes.

Submissions (2):

Labcorp Genetics (formerly Invitae), Labcorp
Classification: Uncertain significance. Last evaluated: 2025-08-15. Review status: criteria provided, single submitter. Criteria: Invitae Variant Classification Sherloc (09022015). Collection method: clinical testing. Allele origin: germline.
Comment: This sequence change replaces serine, which is neutral and polar, with arginine, which is basic and polar, at codon 72 of the CCDC115 protein (p.Ser72Arg). This variant is present in population databases (rs556226856, gnomAD 0.003%). This variant has not been reported in the literature in individuals affected with CCDC115-related conditions. ClinVar contains an entry for this variant (Variation ID: 1503251). An algorithm developed to predict the effect of missense changes on protein structure and function (PolyPhen-2) suggests that this variant is likely to be tolerated. In summary, the available evidence is currently insufficient to determine the role of this variant in disease. Therefore, it has been classified as a Variant of Uncertain Significance.

Ambry Genetics
Classification: Uncertain significance for Inborn genetic diseases. Last evaluated: 2021-06-01. Review status: criteria provided, single submitter. Criteria: Ambry Variant Classification Scheme 2023. Collection method: clinical testing. Allele origin: germline.